The following is an entry in ClinVar:

ClinVar aggregate classification (germline): Uncertain significance (1 of 4 stars; one submission).

Conditions:
Spermatogenic failure 12 (SPGF12). Identifiers: MedGen C3809427, MONDO:0014172, OMIM 615413.

Submission:

Juno Genomics, Hangzhou Juno Genomics, Inc
Classification: Uncertain significance for Spermatogenic failure 12. Review status: criteria provided, single submitter. Criteria: ACMG Guidelines, 2015. Collection method: clinical testing. Allele origin: germline. Affected: yes.
Comment: Absent from controls (or at extremely low frequency if recessive) in Genome Aggregation Database, Exome Sequencing Project, 1000 Genomes Project, or Exome Aggregation Consortium.;Protein length changes due to in-frame deletions/insertions in a non-repeat region or stop-loss variants.

NM_199461.4(NANOS1):c.373_387del (p.Ser125_Leu129del)

Gene: NANOS1 (nanos C2HC-type zinc finger 1; plus strand). Cytogenetic location: 10q26.11.
Variant type: Deletion.
Coding change: c.373_387del on transcript NM_199461.4 (MANE Select); coding-DNA positions 373 to 387, 15 bases deleted (AGCGCGCTGGAATTG).
Protein change: p.Ser125_Leu129del.
Molecular consequence: inframe deletion.
Genome position (GRCh38, 1-based): chr10:119,030,174-119,030,188, AGCGCGCTGGAATTG deleted; deleting any 15 consecutive bases within chr10:119,030,173-119,030,188 gives the same sequence; the c. name uses the placement nearest the transcript's 3' end. VCF-style (leftmost placement, unchanged base first): chr10-119030172-GGAGCGCGCTGGAATT-G. GRCh37 (hg19) VCF-style: chr10-120789684-GGAGCGCGCTGGAATT-G.
Identifiers: ClinVar variation 3382979 (VCV003382979.2).
Genomic context (GRCh38, chr10:119,030,172, plus strand): 5'-ACTACGACGAGGACGACGACGACGACAGCGACGAGCCGGGGTCCCGGGGCCGCTACCTGG[GGAGCGCGCTGGAATT>G]GCGCGCGCTGGAGCTGTGCGCGGGCCCCGCCGAGGCCGGGCTGCTGGAGGAGCGCTTCGC-3'